The following is an entry in ClinVar:

ClinVar aggregate classification (germline): Uncertain significance (1 of 4 stars; one submission).

gnomAD v4.1: 1 of 1,612,388 alleles (0.000062%); no homozygotes.

Submission:

CeGaT Center for Human Genetics Tuebingen
Classification: Uncertain significance. Last evaluated: 2023-12-01. Review status: criteria provided, single submitter. Criteria: CeGaT Center For Human Genetics Tuebingen Variant Classification Criteria Version 2. Collection method: clinical testing. Allele origin: germline. Affected: yes. Observed: 2 variant alleles.
Comment: KCNQ2: PM2, PS4:Supporting

NM_172107.4(KCNQ2):c.1464C>G (p.Asp488Glu)

Gene: KCNQ2 (potassium voltage-gated channel subfamily Q member 2; minus strand). Cytogenetic location: 20q13.33.
Variant type: single nucleotide variant.
Coding change: c.1464C>G on transcript NM_172107.4 (MANE Select); coding-DNA position 1464, C replaced by G.
Protein change: p.Asp488Glu; replaces aspartic acid 488 with glutamic acid.
Molecular consequence: missense variant.
Genome position (GRCh38, 1-based): chr20:63,414,964, G>C on the plus strand (C>G on the coding strand, the complement: KCNQ2 is on the minus strand). VCF-style: chr20-63414964-G-C. GRCh37 (hg19) VCF-style: chr20-62046317-G-C.
Other names: c.1410C>G, p.Asp470Glu (NM_001382235.1, NM_172106.3); c.1380C>G, p.Asp460Glu (NM_004518.6); c.1374C>G, p.Asp458Glu (NM_172108.5); short protein forms D458E, D460E, D470E, D488E.
Identifiers: ClinVar variation 3026050 (VCV003026050.22), dbSNP rs1358549164, ClinGen allele CA409646352.